The following is an entry in ClinVar:

ClinVar aggregate classification (germline): Likely pathogenic (1 of 4 stars; one submission).

Allele frequency attached by ClinVar (database versions not stated): gnomAD 0.00001; gnomAD exomes 0.00001; TOPMed 0.00001.

Submission:

GeneDx
Classification: Likely pathogenic. Last evaluated: 2016-12-09. Review status: criteria provided, single submitter. Criteria: GeneDx Variant Classification (06012015). Collection method: clinical testing. Allele origin: germline. Affected: yes.
Comment: The M127T variant has not been published as a pathogenic variant, nor has it been reported as a benign variant to our knowledge. The variant was not observed in approximately 6,500 individuals of European and African American ancestry in the NHLBI Exome Sequencing Project, indicating it is not a common benign variant in these populations. M127T is a non-conservative amino acid substitution, which is likely to impact secondary protein structure as these residues differ in polarity, charge, size and/or other properties. This substitution occurs at a position that is conserved across species, and in silico analysis predicts this variant is probably damaging to the protein structure/function. A missense variant in the same residue (M127R) has been reported in the Human Gene Mutation Database in association with aromatase deficiency (Stenson et al., 2014), supporting the functional importance of this region of the protein. Therefore, this variant is likely pathogenic; however, the possibility that it is benign cannot be excluded.

NM_000103.4(CYP19A1):c.380T>C (p.Met127Thr)

Genes: CYP19A1 (cytochrome P450 family 19 subfamily A member 1; minus strand), MIR4713HG (MIR4713 host gene; plus strand), PIRC66 (piwi-interacting RNA cluster 66; plus strand). Cytogenetic location: 15q21.2.
Variant type: single nucleotide variant.
Coding change: c.380T>C on transcript NM_000103.4 (MANE Select); coding-DNA position 380, T replaced by C.
Protein change: p.Met127Thr; replaces methionine 127 with threonine.
Molecular consequence: missense variant.
Genome position (GRCh38, 1-based): chr15:51,227,850, A>G on the plus strand (T>C on the coding strand, the complement: CYP19A1 is on the minus strand). VCF-style: chr15-51227850-A-G. GRCh37 (hg19) VCF-style: chr15-51520047-A-G.
Other names: c.380T>C, p.Met127Thr (NM_001347248.1, NM_001347249.2, NM_001347250.2 and 7 more transcripts); short protein forms M127T.
Identifiers: ClinVar variation 373729 (VCV000373729.1), dbSNP rs1057518574, ClinGen allele CA16042890.